The following is an entry in ClinVar:

NM_001395430.1(PAK6):c.483C>T (p.Pro161=)

Genes: BUB1B-PAK6 (BUB1B-PAK6 readthrough; plus strand), PAK6 (p21 (RAC1) activated kinase 6; plus strand). Cytogenetic location: 15q15.1.
Variant type: single nucleotide variant.
Coding change: c.483C>T on transcript NM_001395430.1 (MANE Select); coding-DNA position 483, C replaced by T.
Protein change: p.Pro161=; no amino-acid change (proline 161 retained).
Molecular consequence: synonymous variant.
Genome position (GRCh38, 1-based): chr15:40,266,120, C>T. VCF-style: chr15-40266120-C-T. GRCh37 (hg19) VCF-style: chr15-40558321-C-T.
Other names: c.483C>T, p.Pro161= (NM_001128628.3, NM_001128629.3, NM_001276717.1 and 3 more transcripts).
Identifiers: ClinVar variation 4872476 (VCV004872476.2).
Genomic context (GRCh38, chr15:40,266,120, plus strand): 5'-CGGCCTCTACCTCAGCTGCAACGGGGGCACACCAGCAGGCCACAAGCAGATGCCGTGGCC[C>T]GAGCCACAGAGCCCACGGGTCCTGCCCAATGGGCTGGCTGCAAAGGCACAGTCCCTGGGC-3'
Protein context (NP_001382359.1, residues 151-171): TPAGHKQMPW[Pro161=]EPQSPRVLPN

ClinVar aggregate classification (germline): Likely benign (1 of 4 stars; one submission).

gnomAD v4.1: 267 of 1,592,510 alleles (0.017%); highest among the groups gnomAD compares: South Asian, 0.26%; 2 homozygotes.

Submission:

CeGaT Center for Human Genetics Tuebingen
Classification: Likely benign. Last evaluated: 2026-06-01. Review status: criteria provided, single submitter. Criteria: CeGaT Center For Human Genetics Tuebingen Variant Classification Criteria Version 2. Collection method: clinical testing. Allele origin: germline. Affected: yes. Observed: 1 variant allele.
Comment: PAK6: BP4, BP7